The following is an entry in ClinVar:

ClinVar aggregate classification (germline): Pathogenic. Review status: criteria provided, multiple submitters, no conflicts (2 of 4 stars). 4 submissions from 4 submitters: Pathogenic (2). 2 of the submissions do not count toward it. Last evaluated 2023-07-18.

Conditions:
Pachyonychia congenita 2 (PC2). Also called: PACHYONYCHIA CONGENITA, JACKSON-LAWLER TYPE; Jackson-Lawler syndrome; KRT17-Related Pachyonychia Congenita; KRT6B-Related Pachyonychia Congenita; PC-K17. Identifiers: Orphanet 2309, MedGen C1721007, MONDO:0008174, OMIM 167210.

Submissions (4):

Clinical Genetics Laboratory, Skane University Hospital Lund
Classification: Pathogenic. Last evaluated: 2023-07-18. Review status: criteria provided, single submitter. Criteria: ACMG Guidelines, 2015. Collection method: clinical testing. Allele origin: germline. Affected: yes.

GeneDx
Classification: Pathogenic. Last evaluated: 2016-11-03. Review status: criteria provided, single submitter. Criteria: GeneDx Variant Classification (06012015). Collection method: clinical testing. Allele origin: germline. Affected: yes.
Comment: The N92D variant has been reported previously in a large kindred where it was shown to co-segregate with pachyonychia congenita in multiple affected individuals (McLean et al., 1995). It was not observed in approximately 6,500 individuals of European and African American ancestry in the NHLBI Exome Sequencing Project, indicating it is not a common benign variant in these populations. N92D is a semi-conservative amino acid substitution, which may impact secondary protein structure as these residues differ in some properties. This substitution occurs within a known mutational hotspot region (helix initiation motif) that is highly conserved across all species and among all members of the keratin family. Many other pathogenic variants in patients with pachyonychia congenita have been reported at the same (N92H/S) and in nearby residues (M88T/R/K, L91P, R94C/S/G/P/H, L95Q/P) according to the Human Gene Mutation Database (Stenson et al., 2014). It is well established that keratin gene mutations affecting the residues at the ends of the central rod domains of the keratin proteins (helix initiation and termination motifs) interfere with proper keratin intermediate filament assembly and function, resulting in hyperkeratosis (Chamcheu et al., 2011). Therefore, we consider N92D to be pathogenic.

OMIM
Classification: Pathogenic for PACHYONYCHIA CONGENITA 2. Last evaluated: 1995-03-01. Review status: no assertion criteria provided. Collection method: literature only. Allele origin: germline. Not counted in ClinVar's aggregate classification.

Epithelial Biology;  Institute of Medical Biology, Singapore
No classification provided. Review status: no classification provided. Collection method: not provided. Allele origin: not provided. Not counted in ClinVar's aggregate classification.

Literature cited by the submitters: PubMed 7529318 (cited by OMIM); PubMed 7539673 (cited by OMIM).

NM_000422.3(KRT17):c.274A>G (p.Asn92Asp)

Gene: KRT17 (keratin 17; minus strand). Cytogenetic location: 17q21.2.
Variant type: single nucleotide variant.
Coding change: c.274A>G on transcript NM_000422.3 (MANE Select); coding-DNA position 274, A replaced by G.
Protein change: p.Asn92Asp; replaces asparagine 92 with aspartic acid.
Molecular consequence: missense variant.
Genome position (GRCh38, 1-based): chr17:41,624,236, T>C on the plus strand (A>G on the coding strand, the complement: KRT17 is on the minus strand). VCF-style: chr17-41624236-T-C. GRCh37 (hg19) VCF-style: chr17-39780488-T-C.
Other names: short protein forms N92D.
Identifiers: ClinVar variation 14586 (VCV000014586.5), dbSNP rs28928896, ClinGen allele CA216607.